The following is an entry in ClinVar:

ClinVar aggregate classification (germline): Uncertain significance. Review status: criteria provided, multiple submitters, no conflicts (2 of 4 stars). 2 submissions from 2 submitters: Uncertain significance (2). Last evaluated 2025-03-11.

Conditions:
Long QT syndrome (LQTS). Identifiers: MedGen C0023976, MeSH D008133, MONDO:0002442. Disease mechanism: loss of function. Inheritance: Various modes of inheritance.

Submissions (2):

GeneDx
Classification: Uncertain significance. Last evaluated: 2025-03-11. Review status: criteria provided, single submitter. Criteria: GeneDx Variant Classification Process June 2021. Collection method: clinical testing. Allele origin: germline. Affected: yes.
Comment: Not observed at significant frequency in large population cohorts (gnomAD); In silico analysis indicates that this missense variant does not alter protein structure/function; Has not been previously published as pathogenic or benign to our knowledge

Labcorp Genetics (formerly Invitae), Labcorp
Classification: Uncertain significance for Long QT syndrome. Last evaluated: 2025-02-06. Review status: criteria provided, single submitter. Criteria: Invitae Variant Classification Sherloc (09022015). Collection method: clinical testing. Allele origin: germline.
Comment: This sequence change replaces glycine, which is neutral and non-polar, with arginine, which is basic and polar, at codon 925 of the KCNH2 protein (p.Gly925Arg). This variant is not present in population databases (gnomAD no frequency). This variant has not been reported in the literature in individuals affected with KCNH2-related conditions. An algorithm developed to predict the effect of missense changes on protein structure and function (PolyPhen-2) suggests that this variant is likely to be tolerated. In summary, the available evidence is currently insufficient to determine the role of this variant in disease. Therefore, it has been classified as a Variant of Uncertain Significance.

NM_000238.4(KCNH2):c.2773G>C (p.Gly925Arg)

Gene: KCNH2 (potassium voltage-gated channel subfamily H member 2; minus strand). Cytogenetic location: 7q36.1.
Variant type: single nucleotide variant.
Coding change: c.2773G>C on transcript NM_000238.4 (MANE Select); coding-DNA position 2773, G replaced by C.
Protein change: p.Gly925Arg; replaces glycine 925 with arginine.
Molecular consequence: missense variant.
Genome position (GRCh38, 1-based): chr7:150,947,798, C>G on the plus strand (G>C on the coding strand, the complement: KCNH2 is on the minus strand). VCF-style: chr7-150947798-C-G. GRCh37 (hg19) VCF-style: chr7-150644886-C-G.
Other names: c.2485G>C, p.Gly829Arg (NM_001406753.1); c.1753G>C, p.Gly585Arg (NM_172057.3); short protein forms G585R, G829R, G925R.
Identifiers: ClinVar variation 4083286 (VCV004083286.2).